The following is an entry in ClinVar:

ClinVar aggregate classification (germline): Pathogenic/Likely pathogenic. Review status: criteria provided, multiple submitters, no conflicts (2 of 4 stars). 2 submissions from 2 submitters: Pathogenic (1); Likely pathogenic (1). Last evaluated 2022-04-24.

Conditions:
Sucrase-isomaltase deficiency (CSID). Also called: Deficiency of isomaltase; Congenital sucrose isomaltose malabsorption; Sucrose isomaltose enzyme deficiency; SI DEFICIENCY. Identifiers: Orphanet 35122, MedGen C1283620, MONDO:0009114, OMIM 222900.

Allele frequency attached by ClinVar (database versions not stated): gnomAD exomes below 0.00001.
gnomAD v4.1: 1 of 1,608,882 alleles (0.000062%); highest among the groups gnomAD compares: Non-Finnish European, 0.000085%; no homozygotes.

Submissions (2):

Fulgent Genetics
Classification: Likely pathogenic for Sucrase-isomaltase deficiency. Last evaluated: 2022-04-24. Review status: criteria provided, single submitter. Criteria: ACMG Guidelines, 2015. Collection method: clinical testing. Allele origin: unknown.

Labcorp Genetics (formerly Invitae), Labcorp
Classification: Pathogenic. Last evaluated: 2021-10-24. Review status: criteria provided, single submitter. Criteria: Invitae Variant Classification Sherloc (09022015). Collection method: clinical testing. Allele origin: germline.
Comment: For these reasons, this variant has been classified as Pathogenic. This variant has not been reported in the literature in individuals affected with SI-related conditions. This variant is not present in population databases (ExAC no frequency). This sequence change creates a premature translational stop signal (p.Cys955*) in the SI gene. It is expected to result in an absent or disrupted protein product. Loss-of-function variants in SI are known to be pathogenic (PMID: 16329100, 23103650, 25452324).

Literature cited by the submitters: PubMed 16329100 (cited by Labcorp Genetics (formerly Invitae), Labcorp); PubMed 23103650 (cited by Labcorp Genetics (formerly Invitae), Labcorp); PubMed 25452324 (cited by Labcorp Genetics (formerly Invitae), Labcorp).

NM_001041.4(SI):c.2865C>A (p.Cys955Ter)

Gene: SI (sucrase-isomaltase; minus strand). Cytogenetic location: 3q26.1.
Variant type: single nucleotide variant.
Coding change: c.2865C>A on transcript NM_001041.4 (MANE Select); coding-DNA position 2865, C replaced by A.
Protein change: p.Cys955Ter; replaces cysteine 955 with a stop codon.
Molecular consequence: nonsense.
Genome position (GRCh38, 1-based): chr3:165,030,739, G>T on the plus strand (C>A on the coding strand, the complement: SI is on the minus strand). VCF-style: chr3-165030739-G-T. GRCh37 (hg19) VCF-style: chr3-164748527-G-T.
Other names: short protein forms C955*.
Identifiers: ClinVar variation 1355490 (VCV001355490.7), dbSNP rs2108202378, ClinGen allele CA355045018.
Genomic context (GRCh38, chr3:165,030,739, plus strand): 5'-CATATCATGAGTAATAGTTAAAATTATTATTACCGTTCTCCATACACAGCCACGTTGTGT[G>T]CACTTTTGTTCAGTTGCCAAATCTGCATCTGGATAACAATTAAATCTTTCATTTTCTGAG-3'